The following is an entry in ClinVar:

ClinVar aggregate classification (germline): Uncertain significance (1 of 4 stars; one submission).

Conditions:
Hereditary cancer-predisposing syndrome. Also called: Neoplastic Syndromes, Hereditary; Tumor predisposition; Hereditary Cancer Syndrome; Hereditary neoplastic syndrome. Identifiers: Orphanet 140162, MedGen C0027672, MeSH D009386, MONDO:0015356.

Submission:

Ambry Genetics
Classification: Uncertain significance for Hereditary cancer-predisposing syndrome. Last evaluated: 2024-11-28. Review status: criteria provided, single submitter. Criteria: Ambry Variant Classification Scheme 2023. Collection method: clinical testing. Allele origin: germline.
Comment: The p.S2318T variant (also known as c.6953G>C), located in coding exon 15 of the APC gene, results from a G to C substitution at nucleotide position 6953. The serine at codon 2318 is replaced by threonine, an amino acid with similar properties. This amino acid position is conserved. In addition, in silico predictors for this gene do not accurately predict pathogenicity. Based on the available evidence, the clinical significance of this variant remains unclear.

NM_000038.6(APC):c.6953G>C (p.Ser2318Thr)

Gene: APC (APC regulator of Wnt signaling pathway; plus strand). Cytogenetic location: 5q22.2.
Variant type: single nucleotide variant.
Coding change: c.6953G>C on transcript NM_000038.6 (MANE Select); coding-DNA position 6953, G replaced by C.
Protein change: p.Ser2318Thr; replaces serine 2318 with threonine.
Molecular consequence: missense variant. On other transcripts: non-coding transcript variant (2).
Genome position (GRCh38, 1-based): chr5:112,842,547, G>C. VCF-style: chr5-112842547-G-C. GRCh37 (hg19) VCF-style: chr5-112178244-G-C.
Other names: c.6953G>C, p.Ser2318Thr (NM_001127510.3, NM_001354895.2, NM_001407450.1); c.6899G>C, p.Ser2300Thr (NM_001127511.3); c.7007G>C, p.Ser2336Thr (NM_001354896.2, NM_001407447.1, NM_001407448.1 and 1 more transcripts); c.6983G>C, p.Ser2328Thr (NM_001354897.2); c.6878G>C, p.Ser2293Thr (NM_001354898.2); c.6869G>C, p.Ser2290Thr (NM_001354899.2); c.6830G>C, p.Ser2277Thr (NM_001354900.2); c.6776G>C, p.Ser2259Thr (NM_001354901.2, NM_001407453.1); and 11 more; short protein forms S2158T, S2300T, S2035T, S2227T, S2293T, S2308T, S2311T, S2336T.
Identifiers: ClinVar variation 3412608 (VCV003412608.1).